The following is an entry in ClinVar:

NM_000245.4(MET):c.3490G>T (p.Asp1164Tyr)

Gene: MET (MET proto-oncogene, receptor tyrosine kinase; plus strand). Cytogenetic location: 7q31.2.
Variant type: single nucleotide variant.
Coding change: c.3490G>T on transcript NM_000245.4 (MANE Select); coding-DNA position 3490, G replaced by T.
Protein change: p.Asp1164Tyr; replaces aspartic acid 1164 with tyrosine.
Molecular consequence: missense variant.
Genome position (GRCh38, 1-based): chr7:116,778,925, G>T. VCF-style: chr7-116778925-G-T. GRCh37 (hg19) VCF-style: chr7-116418979-G-T.
Other names: c.3544G>T, p.Asp1182Tyr (NM_001127500.3); c.2200G>T, p.Asp734Tyr (NM_001324402.2); short protein forms D1164Y, D1182Y, D734Y.
Identifiers: ClinVar variation 4859986 (VCV004859986.1).

ClinVar aggregate classification (germline): Uncertain significance (1 of 4 stars; one submission).

Conditions:
Hereditary cancer-predisposing syndrome. Also called: Neoplastic Syndromes, Hereditary; Tumor predisposition; Hereditary Cancer Syndrome; Hereditary neoplastic syndrome. Identifiers: Orphanet 140162, MedGen C0027672, MeSH D009386, MONDO:0015356.

Submission:

Ambry Genetics
Classification: Uncertain significance for Hereditary cancer-predisposing syndrome. Last evaluated: 2026-05-15. Review status: criteria provided, single submitter. Criteria: Ambry Variant Classification Scheme 2023. Collection method: clinical testing. Allele origin: germline.
Comment: The p.D1182Y variant (also known as c.3544G>T), located in coding exon 16 of the MET gene, results from a G to T substitution at nucleotide position 3544. The aspartic acid at codon 1182 is replaced by tyrosine, an amino acid with highly dissimilar properties. This amino acid position is conserved. In addition, this alteration is predicted to be deleterious by in silico analysis. Based on the available evidence, the clinical significance of this variant remains unclear.